The following is an entry in ClinVar:

ClinVar aggregate classification (germline): Uncertain significance (1 of 4 stars; one submission).

gnomAD v4.1: 1 of 1,614,098 alleles (0.000062%); highest among the groups gnomAD compares: Non-Finnish European, 0.000085%; no homozygotes.

Submission:

GeneDx
Classification: Uncertain significance. Last evaluated: 2026-08-13. Review status: criteria provided, single submitter. Criteria: GeneDx Variant Classification Process June 2021. Collection method: clinical testing. Allele origin: germline.
Comment: Not observed at significant frequency in large population cohorts (gnomAD); In silico analysis supports that this missense variant does not alter protein structure/function; Has not been previously published as pathogenic or benign to our knowledge

NM_001349338.3(FOXP1):c.1772G>C (p.Gly591Ala)

Gene: FOXP1 (forkhead box P1; minus strand). Cytogenetic location: 3p13.
Variant type: single nucleotide variant.
Coding change: c.1772G>C on transcript NM_001349338.3 (MANE Select); coding-DNA position 1772, G replaced by C.
Protein change: p.Gly591Ala; replaces glycine 591 with alanine.
Molecular consequence: missense variant. On other transcripts: non-coding transcript variant (2).
Genome position (GRCh38, 1-based): chr3:70,966,007, C>G on the plus strand (G>C on the coding strand, the complement: FOXP1 is on the minus strand). VCF-style: chr3-70966007-C-G. GRCh37 (hg19) VCF-style: chr3-71015158-C-G.
Other names: c.1769G>C, p.Gly590Ala (NM_001244808.3, NM_001349341.3); c.1820G>C, p.Gly607Ala (NM_001244810.2); c.1544G>C, p.Gly515Ala (NM_001244812.3); c.1472G>C, p.Gly491Ala (NM_001244813.3, NM_001244815.2, NM_001349342.3); c.1772G>C, p.Gly591Ala (NM_001244814.3, NM_001244816.2, NM_001349340.3 and 1 more transcripts); c.1469G>C, p.Gly490Ala (NM_001349337.2, NM_001349343.3, NM_001349344.3 and 1 more transcripts); short protein forms G490A, G491A, G515A, G590A, G591A, G607A.
Identifiers: ClinVar variation 3252141 (VCV003252141.2), dbSNP rs1364685833.
Genomic context (GRCh38, chr3:70,966,007, plus strand): 5'-TCCATTGCCCCGTTCAGCTCTTCCCGTATTGCGCTGGCTAAGTTGCCCAGAGTGGGATTT[C>G]CCATGGAAGCGGTAGTGTATAGAGGTATACTATTCTCAGCCATTGAAGCCTGTCATCAAC-3'
Protein context (NP_001336267.1, residues 581-601): SIPLYTTASM[Gly591Ala]NPTLGNLASA